The following is an entry in ClinVar:

ClinVar aggregate classification (germline): Uncertain significance. Review status: criteria provided, multiple submitters, no conflicts (2 of 4 stars). 2 submissions from 2 submitters: Uncertain significance (2). Last evaluated 2025-06-18.

Conditions:
Familial thoracic aortic aneurysm and aortic dissection (TAAD). Also called: Thoracic aortic aneurysms and dissections. Identifiers: Orphanet 91387, MedGen C4707243, MONDO:0019625.
Adams-Oliver syndrome 5 (AOS5). Identifiers: Orphanet 974, MedGen C4014970, MONDO:0014459, OMIM 616028.

Submissions (2):

Labcorp Genetics (formerly Invitae), Labcorp
Classification: Uncertain significance for Adams-Oliver syndrome 5. Last evaluated: 2025-06-18. Review status: criteria provided, single submitter. Criteria: Invitae Variant Classification Sherloc (09022015). Collection method: clinical testing. Allele origin: germline.
Comment: This sequence change replaces aspartic acid, which is acidic and polar, with alanine, which is neutral and non-polar, at codon 907 of the NOTCH1 protein (p.Asp907Ala). This variant is not present in population databases (gnomAD no frequency). This variant has not been reported in the literature in individuals affected with NOTCH1-related conditions. Invitae Evidence Modeling of protein sequence and biophysical properties (such as structural, functional, and spatial information, amino acid conservation, physicochemical variation, residue mobility, and thermodynamic stability) indicates that this missense variant is not expected to disrupt NOTCH1 protein function with a negative predictive value of 80%. In summary, the available evidence is currently insufficient to determine the role of this variant in disease. Therefore, it has been classified as a Variant of Uncertain Significance.

Ambry Genetics
Classification: Uncertain significance for Familial thoracic aortic aneurysm and aortic dissection. Last evaluated: 2025-03-31. Review status: criteria provided, single submitter. Criteria: Ambry Variant Classification Scheme 2023. Collection method: clinical testing. Allele origin: germline.
Comment: The p.D907A variant (also known as c.2720A>C), located in coding exon 17 of the NOTCH1 gene, results from an A to C substitution at nucleotide position 2720. The aspartic acid at codon 907 is replaced by alanine, an amino acid with dissimilar properties. This amino acid position is conserved. In addition, the in silico prediction for this alteration is inconclusive. Based on the available evidence, the clinical significance of this variant remains unclear.

NM_017617.5(NOTCH1):c.2720A>C (p.Asp907Ala)

Gene: NOTCH1 (notch receptor 1; minus strand). Cytogenetic location: 9q34.3.
Variant type: single nucleotide variant.
Coding change: c.2720A>C on transcript NM_017617.5 (MANE Select); coding-DNA position 2720, A replaced by C.
Protein change: p.Asp907Ala; replaces aspartic acid 907 with alanine.
Molecular consequence: missense variant.
Genome position (GRCh38, 1-based): chr9:136,510,673, T>G on the plus strand (A>C on the coding strand, the complement: NOTCH1 is on the minus strand). VCF-style: chr9-136510673-T-G. GRCh37 (hg19) VCF-style: chr9-139405125-T-G.
Other names: short protein forms D907A.
Identifiers: ClinVar variation 3921043 (VCV003921043.2).